The following is an entry in ClinVar:

ClinVar aggregate classification (germline): Uncertain significance (1 of 4 stars; one submission).

Allele frequency attached by ClinVar (database versions not stated): gnomAD exomes 0.00001.

Submission:

Labcorp Genetics (formerly Invitae), Labcorp
Classification: Uncertain significance. Last evaluated: 2021-08-04. Review status: criteria provided, single submitter. Criteria: Invitae Variant Classification Sherloc (09022015). Collection method: clinical testing. Allele origin: germline.
Comment: In summary, the available evidence is currently insufficient to determine the role of this variant in disease. Therefore, it has been classified as a Variant of Uncertain Significance. This variant has not been reported in the literature in individuals with TRPC6-related conditions. The frequency data for this variant in the population databases is considered unreliable, as metrics indicate insufficient coverage at this position in the ExAC database. This sequence change affects the initiator methionine of the TRPC6 mRNA. The next in-frame methionine is located at codon 34.

NM_004621.6(TRPC6):c.1A>C (p.Met1Leu)

Gene: TRPC6 (transient receptor potential cation channel subfamily C member 6; minus strand). Cytogenetic location: 11q22.1.
Variant type: single nucleotide variant.
Coding change: c.1A>C on transcript NM_004621.6 (MANE Select); coding-DNA position 1, A replaced by C.
Protein change: p.Met1Leu; changes the start codon (methionine 1).
Molecular consequence: missense variant, initiator codon variant.
Genome position (GRCh38, 1-based): chr11:101,583,503, T>G on the plus strand (A>C on the coding strand, the complement: TRPC6 is on the minus strand). VCF-style: chr11-101583503-T-G. GRCh37 (hg19) VCF-style: chr11-101454234-T-G.
Other names: short protein forms M1L.
Identifiers: ClinVar variation 1000287 (VCV001000287.9), dbSNP rs200791997, ClinGen allele CA382444406.